The following is an entry in ClinVar:

NM_020822.3(KCNT1):c.1525GAG[2] (p.Glu511del)

Gene: KCNT1 (potassium sodium-activated channel subfamily T member 1; plus strand). Cytogenetic location: 9q34.3.
Variant type: Microsatellite.
Coding change: c.1525GAG[2] on transcript NM_020822.3 (MANE Select); two copies in a row of the 3-base unit GAG starting at c.1525; the reference has three copies in a row; one copy, 3 bases deleted.
Protein change: p.Glu511del; deletes glutamic acid 511.
Molecular consequence: inframe deletion.
Genome position (GRCh38, 1-based): chr9:135,769,967-135,769,969, GAG deleted; deleting any 3 consecutive bases within chr9:135,769,961-135,769,969 gives the same sequence; the position shown is the placement nearest the transcript's 3' end. VCF-style (leftmost placement, unchanged base first): chr9-135769960-TGAG-T. GRCh37 (hg19) VCF-style: chr9-138661806-TGAG-T.
Other names: c.1390GAG[2], p.Glu466del (NM_001272003.2); short protein forms E466del, E511del.
Identifiers: ClinVar variation 2419221 (VCV002419221.4), dbSNP rs1423483871, ClinGen allele CA467698382.
Genomic context (GRCh38, chr9:135,769,960, plus strand): 5'-AGAGCCGGCAGAGCGGCAGGTGGACCGGCCTCCCCCACTGCCCGCAGACCACGTGGTGTG[TGAG>T]GAGGAGTGCAAGTACGCCATGCTGGCGCTGAACTGCATCTGCCCGGCGACCTCCACCCTC-3'

ClinVar aggregate classification (germline): Uncertain significance (1 of 4 stars; one submission).

Conditions:
Autosomal dominant nocturnal frontal lobe epilepsy 5. Also called: CILIARY DYSKINESIA, PRIMARY, 28, WITHOUT SITUS INVERSUS; CILIARY DYSKINESIA, PRIMARY, 28, WITH SITUS INVERSUS; Epilepsy, nocturnal frontal lobe, 5; KCNT1-Related Epilepsy. Identifiers: Orphanet 98784, MedGen C3554306, MONDO:0014002, OMIM 615005.
Developmental and epileptic encephalopathy, 14 (DEE14). Also called: Early infantile epileptic encephalopathy 14. Identifiers: Orphanet 293181, MedGen C3554195, MONDO:0013989, OMIM 614959.

Submission:

Labcorp Genetics (formerly Invitae), Labcorp
Classification: Uncertain significance for Autosomal dominant nocturnal frontal lobe epilepsy 5; Developmental and epileptic encephalopathy, 14. Last evaluated: 2023-10-18. Review status: criteria provided, single submitter. Criteria: Invitae Variant Classification Sherloc (09022015). Collection method: clinical testing. Allele origin: germline.
Comment: This variant, c.1531_1533del, results in the deletion of 1 amino acid(s) of the KCNT1 protein (p.Glu511del), but otherwise preserves the integrity of the reading frame. This variant is not present in population databases (gnomAD no frequency). This variant has been observed in individual(s) with clinical features of KCNT1-related conditions (Invitae). Experimental studies and prediction algorithms are not available or were not evaluated, and the functional significance of this variant is currently unknown. In summary, the available evidence is currently insufficient to determine the role of this variant in disease. Therefore, it has been classified as a Variant of Uncertain Significance.